The following is an entry in ClinVar:

ClinVar aggregate classification (germline): Likely benign (1 of 4 stars; one submission).

Submission:

Women's Health and Genetics/Laboratory Corporation of America, LabCorp
Classification: Likely benign. Last evaluated: 2023-06-05. Review status: criteria provided, single submitter. Criteria: LabCorp Variant Classification Summary - May 2015. Collection method: clinical testing. Allele origin: germline.
Comment: Variant summary: HBB c.12G>A alters a conserved nucleotide resulting in a synonymous change. Both the Splice AI and Alamut computational tools predict no significant impact on normal splicing. However, these predictions have yet to be confirmed by functional studies. The variant was absent in 251148 control chromosomes. The available data on variant occurrences in the general population are insufficient to allow any conclusion about variant significance. To our knowledge, no occurrence of c.12G>A in individuals affected with Hemoglobinopathy and no experimental evidence demonstrating its impact on protein function have been reported. No clinical diagnostic laboratories have submitted clinical-significance assessments for this variant to ClinVar after 2014. Based on the evidence outlined above, the variant was classified as likely benign.

NM_000518.5(HBB):c.12G>A (p.Leu4=)

Genes: HBB (hemoglobin subunit beta; minus strand), LOC106099062 (HBB recombination region; plus strand), LOC107133510 (origin of replication at HBB; plus strand). Cytogenetic location: 11p15.4.
Variant type: single nucleotide variant.
Coding change: c.12G>A on transcript NM_000518.5 (MANE Select); coding-DNA position 12, G replaced by A.
Protein change: p.Leu4=; no amino-acid change (leucine 4 retained).
Molecular consequence: synonymous variant.
Genome position (GRCh38, 1-based): chr11:5,227,010, C>T on the plus strand (G>A on the coding strand, the complement: HBB is on the minus strand). VCF-style: chr11-5227010-C-T. GRCh37 (hg19) VCF-style: chr11-5248240-C-T.
Identifiers: ClinVar variation 2573435 (VCV002573435.1), dbSNP rs1589893645, ClinGen allele CA472885751.